The following is an entry in ClinVar:

NM_001004334.4(GPR179):c.*362G>A

Gene: GPR179 (G protein-coupled receptor 179; minus strand). Cytogenetic location: 17q12.
Variant type: single nucleotide variant.
Coding change: c.*362G>A on transcript NM_001004334.4 (MANE Select); 362 bases downstream of the stop codon, G replaced by A.
Molecular consequence: 3 prime UTR variant.
Genome position (GRCh38, 1-based): chr17:38,326,103, C>T on the plus strand (G>A on the coding strand, the complement: GPR179 is on the minus strand). VCF-style: chr17-38326103-C-T. GRCh37 (hg19) VCF-style: chr17-36481986-C-T.
Identifiers: ClinVar variation 322960 (VCV000322960.5), dbSNP rs4794777, ClinGen allele CA10645525.

ClinVar aggregate classification (germline): Benign (1 of 4 stars; one submission).

Conditions:
Congenital stationary night blindness 1E. Also called: Night blindness, congenital stationary (complete), 1E, autosomal recessive. Identifiers: Orphanet 215, MedGen C3281215, MONDO:0013807, OMIM 614565.

Allele frequency attached by ClinVar (database versions not stated): gnomAD 0.05121 and 0.04774; 1000 Genomes Project 0.05172; TOPMed 0.05386; 1000 Genomes Project 30x 0.05746; gnomAD exomes 0.00778.
gnomAD v4.1: 7,840 of 229,972 alleles (3.4%); highest among the groups gnomAD compares: African/African-American, 16%; 589 homozygotes.

Submission:

Illumina Laboratory Services, Illumina
Classification: Benign for Congenital stationary night blindness 1E. Last evaluated: 2018-01-13. Review status: criteria provided, single submitter. Criteria: ICSL Variant Classification Criteria 13 December 2019. Collection method: clinical testing. Allele origin: germline.
Comment: This variant was observed in the ICSL laboratory as part of a predisposition screen in an ostensibly healthy population. It had not been previously curated by ICSL or reported in the Human Gene Mutation Database (HGMD: prior to June 1st, 2018), and was therefore a candidate for classification through an automated scoring system. Utilizing variant allele frequency, disease prevalence and penetrance estimates, and inheritance mode, an automated score was calculated to assess if this variant is too frequent to cause the disease. Based on the score and internal cut-off values, a variant classified as benign is not then subjected to further curation. The score for this variant resulted in a classification of benign for this disease.